The following is an entry in ClinVar:

ClinVar aggregate classification (germline): Conflicting classifications of pathogenicity. Review status: criteria provided, conflicting classifications (1 of 4 stars). 5 submissions from 5 submitters: Pathogenic (1); Likely pathogenic (2); Uncertain significance (1). 1 of the submissions does not count toward it. Last evaluated 2026-06-12.

Conditions:
TSC2-related disorder. Also called: TSC2-Related Disorders; TSC2-related condition.
Hereditary cancer-predisposing syndrome. Also called: Neoplastic Syndromes, Hereditary; Tumor predisposition; Hereditary Cancer Syndrome; Hereditary neoplastic syndrome. Identifiers: Orphanet 140162, MedGen C0027672, MeSH D009386, MONDO:0015356.
Tuberous sclerosis syndrome (TSC). Also called: Tuberous Sclerosis Complex; Tuberous sclerosis. Identifiers: Orphanet 805, MedGen C0041341, MONDO:0001734.
Tuberous sclerosis 2 (TSC2). Identifiers: Orphanet 805, MedGen C1860707, MONDO:0013199, OMIM 613254.

Submissions (5):

GeneDx
Classification: Likely pathogenic. Last evaluated: 2026-06-12. Review status: criteria provided, single submitter. Criteria: GeneDx Variant Classification Process June 2021. Collection method: clinical testing. Allele origin: germline.
Comment: Canonical splice site variant predicted to result in an in-frame loss of the adjacent exon in a gene for which loss of function is a known mechanism of disease; Deletions involving coding exons of this gene are a known mechanism of disease (HGMD); Not observed at significant frequency in large population cohorts (gnomAD); Has not been previously published as pathogenic or benign to our knowledge; Also known as IVS2+1G>A; This variant is associated with the following publications: (PMID: 18466115, 21520333)

Ambry Genetics
Classification: Uncertain significance for Hereditary cancer-predisposing syndrome. Last evaluated: 2026-04-10. Review status: criteria provided, single submitter. Criteria: Ambry Variant Classification Scheme 2023. Collection method: clinical testing. Allele origin: germline.
Comment: The c.226-1G>A intronic variant results from a G to A substitution one nucleotide upstream from coding exon 3 of the TSC2 gene. This alteration has been observed in at least one individual with a personal and/or family history that is consistent with TSC-related disease (Ambry internal data). This nucleotide position is highly conserved in available vertebrate species. Alterations that disrupt the canonical splice site are expected to cause aberrant splicing. In silico splice site analysis predicts that this alteration will weaken the native splice acceptor site and will result in the creation or strengthening of a novel splice acceptor site. The resulting transcript is predicted to be in-frame and is not expected to trigger nonsense-mediated mRNA decay; however, direct evidence is insufficient at this time (Ambry internal data). Since supporting evidence is limited at this time, the clinical significance of this alteration remains unclear.

PreventionGenetics, part of Exact Sciences
Classification: Pathogenic for TSC2-related condition. Last evaluated: 2022-10-25. Review status: criteria provided, single submitter. Criteria: ACMG Guidelines, 2015. Collection method: clinical testing. Allele origin: germline.
Comment: The TSC2 c.226-1G>A variant is predicted to disrupt the AG splice acceptor site and interfere with normal splicing. To our knowledge, this variant has not been reported in the literature or in a large population database, indicating this variant is rare. It is interpreted as likely pathogenic in ClinVar. Variants that disrupt the consensus splice acceptor site in TSC2 are expected to be pathogenic. This variant is interpreted as pathogenic.

Labcorp Genetics (formerly Invitae), Labcorp
Classification: Likely pathogenic for Tuberous sclerosis 2. Last evaluated: 2022-10-04. Review status: criteria provided, single submitter. Criteria: Invitae Variant Classification Sherloc (09022015). Collection method: clinical testing. Allele origin: germline.
Comment: This variant is not present in population databases (gnomAD no frequency). In summary, the currently available evidence indicates that the variant is pathogenic, but additional data are needed to prove that conclusively. Therefore, this variant has been classified as Likely Pathogenic. Algorithms developed to predict the effect of sequence changes on RNA splicing suggest that this variant may disrupt the consensus splice site. ClinVar contains an entry for this variant (Variation ID: 65180). Disruption of this splice site has been observed in individual(s) with clinical features of TSC2-related conditions (PMID: 21520333). This sequence change affects an acceptor splice site in intron 3 of the TSC2 gene. It is expected to disrupt RNA splicing. Variants that disrupt the donor or acceptor splice site typically lead to a loss of protein function (PMID: 16199547), and loss-of-function variants in TSC2 are known to be pathogenic (PMID: 10205261, 17304050).

Tuberous sclerosis database (TSC2)
No classification provided. Condition: TSC. Review status: no classification provided. Criteria: Tuberous Sclerosis Database Assertion Criteria 2015. Collection method: curation. Allele origin: germline. Affected: yes. Not counted in ClinVar's aggregate classification.

Literature cited by the submitters: PubMed 21520333 (cited by Labcorp Genetics (formerly Invitae), Labcorp); PubMed 16199547 (cited by Labcorp Genetics (formerly Invitae), Labcorp); PubMed 10205261 (cited by Labcorp Genetics (formerly Invitae), Labcorp); PubMed 17304050 (cited by Labcorp Genetics (formerly Invitae), Labcorp).

NM_000548.5(TSC2):c.226-1G>A

Gene: TSC2 (TSC complex subunit 2; plus strand). Cytogenetic location: 16p13.3.
Variant type: single nucleotide variant.
Coding change: c.226-1G>A on transcript NM_000548.5 (MANE Select); the canonical splice acceptor site of the intron before coding-DNA position 226, G replaced by A.
Molecular consequence: splice acceptor variant. On other transcripts: intron variant (9).
Genome position (GRCh38, 1-based): chr16:2,053,341, G>A. VCF-style: chr16-2053341-G-A. GRCh37 (hg19) VCF-style: chr16-2103342-G-A.
Other names: c.226-1G>A (NM_000548.4, NM_001406667.1, NM_001406668.1 and 11 more transcripts); c.-1512-1G>A (NM_001406693.1); c.-591-1G>A (NM_001406680.1, NM_001406683.1, NM_001406687.1); c.-1206-1G>A (NM_001406689.1, NM_001406690.1, NM_001406692.1 and 2 more transcripts); c.-1382-1G>A (NM_001406698.1); c.-1087-1G>A (NM_001406694.1, NM_001406695.1); c.-1194-1G>A (NM_001406696.1); c.-220-1G>A (NM_001406681.1); and 4 more.
Identifiers: ClinVar variation 65180 (VCV000065180.16), dbSNP rs397515134, ClinGen allele CA017118.